The following is an entry in ClinVar:

NM_183235.3(RAB27A):c.333A>C (p.Arg111Ser)

Gene: RAB27A (RAB27A, member RAS oncogene family; minus strand). Cytogenetic location: 15q21.3.
Variant type: single nucleotide variant.
Coding change: c.333A>C on transcript NM_183235.3 (MANE Select); coding-DNA position 333, A replaced by C.
Protein change: p.Arg111Ser; replaces arginine 111 with serine.
Molecular consequence: missense variant.
Genome position (GRCh38, 1-based): chr15:55,228,619, T>G on the plus strand (A>C on the coding strand, the complement: RAB27A is on the minus strand). VCF-style: chr15-55228619-T-G. GRCh37 (hg19) VCF-style: chr15-55520817-T-G.
Other names: c.333A>C, p.Arg111Ser (NM_001438970.1, NM_001438972.1, NM_001438973.1 and 11 more transcripts); short protein forms R111S.
Identifiers: ClinVar variation 4855051 (VCV004855051.1).

ClinVar aggregate classification (germline): Uncertain significance (1 of 4 stars; one submission).

Conditions:
Griscelli syndrome type 2 (GS2). Also called: GRISCELLI SYNDROME WITH HEMOPHAGOCYTIC SYNDROME; PAID SYNDROME; PARTIAL ALBINISM AND IMMUNODEFICIENCY SYNDROME. Identifiers: Orphanet 381, Orphanet 79477, MedGen C1868679, MONDO:0011872, OMIM 607624.

gnomAD v4.1: 3 of 1,599,272 alleles (0.00019%); highest among the groups gnomAD compares: Admixed American, 0.0033%; no homozygotes.

Submission:

3billion
Classification: Uncertain significance for Griscelli syndrome type 2. Last evaluated: 2025-12-12. Review status: criteria provided, single submitter. Criteria: ACMG Guidelines, 2015. Collection method: clinical testing. Allele origin: germline. Affected: yes.
Comment: The variant is observed at an extremely low frequency in the gnomAD v4.1.0 dataset (total allele frequency: <0.001%). Predicted Consequence/Location: Frameshift: predicted to result in a loss or disruption of normal protein function through nonsense-mediated decay (NMD) or protein truncation. Multiple pathogenic variants are reported downstream of the variant. The variant has been reported at least twice as pathogenic without evidence for the classification (ClinVar ID: VCV001409958 /PMID: 30104219). Therefore, this variant is classified as Pathogenic according to the recommendation of ACMG/AMP guideline.